The following is an entry in ClinVar:

ClinVar aggregate classification (germline): Likely pathogenic (1 of 4 stars; one submission).

Conditions:
Pierpont syndrome (PRPTS). Identifiers: Orphanet 487825, MedGen C1865644, MONDO:0011213, OMIM 602342.

Submission:

Servicio Extremeño de Salud, Hospital de Mérida
Classification: Likely pathogenic for Pierpont syndrome. Last evaluated: 2020-04-01. Review status: criteria provided, single submitter. Criteria: ACMG Guidelines, 2015. Collection method: clinical testing. Allele origin: de novo. Inheritance: Autosomal dominant inheritance. Affected: yes. Observed: 1 heterozygote.
Comment: The mutation is a missense "de novo" mutation as all the mutations described previously in this condition, and affects a highly conserved residue in one of the eight conserved WD domains of the protein. It is not present in any of the databases consulted (1000G, esp6500, ExAC, gnomAD, Kaviar, dbSNP, HRC). The in silico algortihms used to test pathogenicity, (SIFT, PolyPhen2, LRT; Mutation Taster, Mutation Assesor) classified the variant as deleterious, and the scores for CADD, and DANN were 33 and 0.999 respectively. Also, it meets the criteria from ACMG to be classified as likely pathogenic.

Literature cited by the submitters: DOI 10.1111/cge.13937.

NM_024665.7(TBL1XR1):c.710G>A (p.Gly237Asp)

Genes: TBL1XR1 (TBL1X/Y related 1; minus strand), TBL1XR1-AS1 (TBL1XR1 antisense RNA 1; plus strand). Cytogenetic location: 3q26.32.
Variant type: single nucleotide variant.
Coding change: c.710G>A on transcript NM_024665.7 (MANE Select); coding-DNA position 710, G replaced by A.
Protein change: p.Gly237Asp; replaces glycine 237 with aspartic acid.
Molecular consequence: missense variant.
Genome position (GRCh38, 1-based): chr3:177,047,542, C>T on the plus strand (G>A on the coding strand, the complement: TBL1XR1 is on the minus strand). VCF-style: chr3-177047542-C-T. GRCh37 (hg19) VCF-style: chr3-176765330-C-T.
Other names: c.710G>A, p.Gly237Asp (NM_001321193.3, NM_001321194.3, NM_001374327.1 and 2 more transcripts); c.449G>A, p.Gly150Asp (NM_001321195.3, NM_001374330.1); short protein forms G237D, G150D.
Identifiers: ClinVar variation 917885 (VCV000917885.5), dbSNP rs1716484744, ClinGen allele CA355552341.
Genomic context (GRCh38, chr3:177,047,542, plus strand): 5'-TTACCATCTTTAGTCCATATTCTGGCAAACCCATCATAGGAACCAGTTGCTAGAAGTGTA[C>T]CTTCACTCTGCCAGAGAAAAACATTTCTTTAATTATATAATCTAGATACGGTATTTAATT-3'
Protein context (NP_078941.2, residues 227-247): DVTSLDWNSE[Gly237Asp]TLLATGSYDG